The following is an entry in ClinVar:

NM_000059.4(BRCA2):c.1364C>G (p.Ser455Ter)

Gene: BRCA2 (BRCA2 DNA repair associated; plus strand). Cytogenetic location: 13q13.1.
Variant type: single nucleotide variant.
Coding change: c.1364C>G on transcript NM_000059.4 (MANE Select); coding-DNA position 1364, C replaced by G.
Protein change: p.Ser455Ter; replaces serine 455 with a stop codon.
Molecular consequence: nonsense.
Genome position (GRCh38, 1-based): chr13:32,332,842, C>G. VCF-style: chr13-32332842-C-G. GRCh37 (hg19) VCF-style: chr13-32906979-C-G.
Other names: short protein forms S455*.
Identifiers: ClinVar variation 918487 (VCV000918487.18), dbSNP rs2072410817, ClinGen allele CA387762873.
Genomic context (GRCh38, chr13:32,332,842, plus strand): 5'-GAAAGAAAGATTTTCTTACTTCAGAGAATTCTTTGCCACGTATTTCTAGCCTACCAAAAT[C>G]AGAGAAGCCATTAAATGAGGAAACAGTGGTAAATAAGAGAGATGAAGAGCAGCATCTTGA-3'

ClinVar aggregate classification (germline): Pathogenic. Review status: criteria provided, multiple submitters, no conflicts (2 of 4 stars). 7 submissions from 7 submitters: Pathogenic (5). 2 of the submissions do not count toward it. Last evaluated 2026-04-08.

Conditions:
Hereditary cancer-predisposing syndrome. Also called: Hereditary neoplastic syndrome; Neoplastic Syndromes, Hereditary; Tumor predisposition; Hereditary Cancer Syndrome. Identifiers: Orphanet 140162, MedGen C0027672, MeSH D009386, MONDO:0015356.
Breast carcinoma. Also called: Carcinoma of breast. Identifiers: MedGen C0678222, MONDO:0004989, HP:0003002.
Hereditary breast ovarian cancer syndrome. Also called: Hereditary breast and/or ovarian cancer syndrome; BRCA1- and BRCA2-Associated Hereditary Breast and Ovarian Cancer; Hereditary breast and ovarian cancer syndrome (HBOC); Hereditary breast and ovarian cancer syndrome; Hereditary breast and ovarian cancer; Breast and ovarian cancer. Identifiers: Orphanet 145, MedGen C0677776, MeSH D061325, MONDO:0003582. Disease mechanism: loss of function.
Breast-ovarian cancer, familial, susceptibility to, 2 (BROVCA2). Also called: BRCA2 Hereditary Breast and Ovarian Cancer. Identifiers: Orphanet 145, MedGen C2675520, MONDO:0012933, OMIM 612555. Disease mechanism: loss of function.
Inherited breast cancer and ovarian cancer.

Submissions (7):

Genetics Laboratory, Great Ormond Street Hospital NHS Foundation Trust, North Thames Genomic Laboratory Hub
Classification: Pathogenic for Inherited breast cancer and ovarian cancer. Last evaluated: 2026-04-08. Review status: criteria provided, single submitter. Criteria: CanVIG BRCA Gene Specific V1.22. Collection method: clinical testing. Allele origin: germline. Affected: yes.
Comment: PM2_moderate, PVS1_very-strong, PM5_strong

Center for Genomic Medicine, Rigshospitalet, Copenhagen University Hospital
Classification: Pathogenic. Last evaluated: 2025-03-04. Review status: criteria provided, single submitter. Criteria: ACMG Guidelines, 2015. Collection method: clinical testing. Allele origin: germline.

Labcorp Genetics (formerly Invitae), Labcorp
Classification: Pathogenic for Hereditary breast ovarian cancer syndrome. Last evaluated: 2024-06-11. Review status: criteria provided, single submitter. Criteria: Invitae Variant Classification Sherloc (09022015). Collection method: clinical testing. Allele origin: germline.
Comment: This sequence change creates a premature translational stop signal (p.Ser455*) in the BRCA2 gene. It is expected to result in an absent or disrupted protein product. Loss-of-function variants in BRCA2 are known to be pathogenic (PMID: 20104584). This variant is not present in population databases (gnomAD no frequency). This premature translational stop signal has been observed in individual(s) with breast cancer (PMID: 25452441). ClinVar contains an entry for this variant (Variation ID: 918487). For these reasons, this variant has been classified as Pathogenic.

Color Diagnostics, LLC DBA Color Health
Classification: Pathogenic for Hereditary cancer-predisposing syndrome. Last evaluated: 2020-01-15. Review status: criteria provided, single submitter. Criteria: ACMG Guidelines, 2015. Collection method: clinical testing. Allele origin: germline.
Comment: This variant changes 1 nucleotide in exon 10 of the BRCA2 gene, creating a premature translation stop signal. This variant is expected to result in an absent or non-functional protein product. This variant has not been identified in the general population by the Genome Aggregation Database (gnomAD). Loss of BRCA2 function is a known mechanism of disease. Based on the available evidence, this variant is classified as Pathogenic.

Ambry Genetics
Classification: Pathogenic for Hereditary cancer-predisposing syndrome. Last evaluated: 2017-12-06. Review status: criteria provided, single submitter. Criteria: Ambry Variant Classification Scheme 2023. Collection method: clinical testing. Allele origin: germline.
Comment: The p.S455* pathogenic mutation (also known as c.1364C>G), located in coding exon 9 of the BRCA2 gene, results from a C to G substitution at nucleotide position 1364. This changes the amino acid from a serine to a stop codon within coding exon 9. This alteration is expected to result in loss of function by premature protein truncation or nonsense-mediated mRNA decay. As such, this alteration is interpreted as a disease-causing mutation.

Medical Genetics Laboratory, Umraniye Training and Research Hospital, University of Health Sciences
Classification: Pathogenic for Breast carcinoma. Last evaluated: 2021-08-09. Review status: no assertion criteria provided. Collection method: clinical testing. Allele origin: germline. Inheritance: Autosomal dominant inheritance. Affected: yes. Not counted in ClinVar's aggregate classification.

BRCAlab, Lund University
Classification: Pathogenic for Breast-ovarian cancer, familial, susceptibility to, 2. Last evaluated: 2020-03-02. Review status: no assertion criteria provided. Collection method: clinical testing. Allele origin: germline. Affected: yes. Not counted in ClinVar's aggregate classification.

Literature cited by the submitters: PubMed 20104584 (cited by Labcorp Genetics (formerly Invitae), Labcorp); PubMed 25452441 (cited by Labcorp Genetics (formerly Invitae), Labcorp).